The following is an entry in ClinVar:

NM_006908.5(RAC1):c.190T>G (p.Tyr64Asp)

Gene: RAC1 (Rac family small GTPase 1; plus strand). Cytogenetic location: 7p22.1.
Variant type: single nucleotide variant.
Coding change: c.190T>G on transcript NM_006908.5 (MANE Select); coding-DNA position 190, T replaced by G.
Protein change: p.Tyr64Asp; replaces tyrosine 64 with aspartic acid.
Molecular consequence: missense variant.
Genome position (GRCh38, 1-based): chr7:6,392,006, T>G. VCF-style: chr7-6392006-T-G. GRCh37 (hg19) VCF-style: chr7-6431637-T-G.
Other names: c.190T>G, p.Tyr64Asp (NM_018890.4); short protein forms Y64D.
Identifiers: ClinVar variation 445283 (VCV000445283.7), dbSNP rs1554263626, ClinGen allele CA366761303.

ClinVar aggregate classification (germline): Pathogenic/Likely pathogenic. Review status: criteria provided, multiple submitters, no conflicts (2 of 4 stars). 4 submissions from 4 submitters: Pathogenic (2); Likely pathogenic (1). 1 of the submissions does not count toward it. Last evaluated 2025-12-11.

Conditions:
Intellectual developmental disorder, autosomal dominant 48. Also called: MENTAL RETARDATION, AUTOSOMAL DOMINANT 48; Intellectual disability, autosomal dominant 48. Identifiers: Orphanet 500159, MedGen C4540321, MONDO:0030913, OMIM 617751.

Submissions (4):

Medical and Scientific Branch, Hong Kong Genome Institute
Classification: Likely pathogenic for Intellectual developmental disorder, autosomal dominant 48. Last evaluated: 2025-12-11. Review status: criteria provided, single submitter. Criteria: ACMG Guidelines, 2015. Collection method: clinical testing. Allele origin: de novo. Affected: yes.

3billion
Classification: Pathogenic for Intellectual developmental disorder, autosomal dominant 48. Last evaluated: 2024-07-03. Review status: criteria provided, single submitter. Criteria: ACMG Guidelines, 2015. Collection method: clinical testing. Allele origin: germline. Affected: yes.
Comment: The variant is not observed in the gnomAD v4.0.0 dataset. Predicted Consequence/Location: The variant is located in a mutational hot spot and/or well-established functional domain in which established pathogenic variants have been reported. Missense changes are a common disease-causing mechanism. Functional studies provide moderate evidence of the variant having a damaging effect on the gene or gene product (PMID: 28886345). In silico tool predictions suggest damaging effect of the variant on gene or gene product [REVEL: 0.92 (>=0.6, sensitivity 0.68 and specificity 0.92); 3Cnet: 0.99 (>=0.6, sensitivity 0.72 and precision 0.9)]. The same nucleotide change resulting in the same amino acid change has been previously reported to be associated with RAC1 related disorder (ClinVar ID: VCV000445283 /PMID: 28886345). Different missense changes at the same codon (p.Tyr64Cys, p.Tyr64His) have been reported as pathogenic/likely pathogenic with strong evidence (ClinVar ID: VCV001333690, VCV002431922 /PMID: 35139179 /3billion dataset). Therefore, this variant is classified as Pathogenic according to the recommendation of ACMG/AMP guideline.

GeneDx
Classification: Pathogenic. Last evaluated: 2019-09-04. Review status: criteria provided, single submitter. Criteria: GeneDx Variant Classification Process June 2021. Collection method: clinical testing. Allele origin: germline. Affected: yes.
Comment: Published functional studies demonstrate a damaging effect; in vitro studies demonstrate that Y64D results in altered changes in cellular morphology and reduced binding to protein kinase A (Chang et al., 2011; Reijnders et al., 2017); Not observed in large population cohorts (Lek et al., 2016); This variant is associated with the following publications: (PMID: 28886345, 22163037, 28135719, 30544910)

OMIM
Classification: Pathogenic for INTELLECTUAL DEVELOPMENTAL DISORDER, AUTOSOMAL DOMINANT 48. Last evaluated: 2023-03-29. Review status: no assertion criteria provided. Collection method: literature only. Allele origin: germline. Not counted in ClinVar's aggregate classification.

Literature cited by the submitters: PubMed 35139179 (cited by 3billion and OMIM); PubMed 28886345 (cited by 3billion and OMIM).